The following is an entry in ClinVar:

ClinVar aggregate classification (germline): Likely pathogenic (1 of 4 stars; one submission).

Conditions:
Combined oxidative phosphorylation deficiency 51. Identifiers: MedGen C5436703, MONDO:0033631, OMIM 619057.

Submission:

Juno Genomics, Hangzhou Juno Genomics, Inc
Classification: Likely pathogenic for Combined oxidative phosphorylation deficiency 51. Review status: criteria provided, single submitter. Criteria: ACMG Guidelines, 2015. Collection method: clinical testing. Allele origin: germline.
Comment: Absent from controls (or at extremely low frequency if recessive) in Genome Aggregation Database.;Null variant in a gene where loss of function (LOF) is a known mechanism of disease.

NM_017952.6(PTCD3):c.1321del (p.Thr441fs)

Gene: PTCD3 (pentatricopeptide repeat domain 3; plus strand). Cytogenetic location: 2p11.2.
Variant type: Deletion.
Coding change: c.1321del on transcript NM_017952.6 (MANE Select); coding-DNA position 1321, one base deleted (A; older notation c.1321delA).
Protein change: p.Thr441fs; shifts the reading frame from threonine 441.
Molecular consequence: frameshift variant.
Genome position (GRCh38, 1-based): chr2:86,132,372, A deleted; the last of 5 consecutive A bases (chr2:86,132,368-86,132,372); deleting any one gives the same sequence. VCF-style (leftmost placement, unchanged base first): chr2-86132367-TA-T. GRCh37 (hg19) VCF-style: chr2-86359490-TA-T.
Other names: short protein forms T441fs.
Identifiers: ClinVar variation 5018600 (VCV005018600.2).